The following is an entry in ClinVar:

ClinVar aggregate classification (germline): Uncertain significance. Review status: criteria provided, multiple submitters, no conflicts (2 of 4 stars). 2 submissions from 2 submitters: Uncertain significance (2). Last evaluated 2024-10-24.

Conditions:
Hereditary cancer-predisposing syndrome. Also called: Tumor predisposition; Neoplastic Syndromes, Hereditary; Hereditary Cancer Syndrome; Hereditary neoplastic syndrome. Identifiers: Orphanet 140162, MedGen C0027672, MeSH D009386, MONDO:0015356.
Retinoblastoma (RB1). Also called: RETINOBLASTOMA, SOMATIC. Identifiers: Orphanet 790, MedGen C0035335, MeSH D012175, MONDO:0008380, OMIM 180200, HP:0009919. Disease mechanism: loss of function. Inheritance: Both sporadic and heritable forms are tested..

Allele frequency attached by ClinVar (database versions not stated): ExAC 0.00001.
gnomAD v4.1: 5 of 1,601,244 alleles (0.00031%); highest among the groups gnomAD compares: Non-Finnish European, 0.00043%; no homozygotes.

Submissions (2):

Ambry Genetics
Classification: Uncertain significance for Hereditary cancer-predisposing syndrome. Last evaluated: 2024-10-24. Review status: criteria provided, single submitter. Criteria: Ambry Variant Classification Scheme 2023. Collection method: clinical testing. Allele origin: germline.
Comment: The p.M495L variant (also known as c.1483A>T), located in coding exon 16 of the RB1 gene, results from an A to T substitution at nucleotide position 1483. The methionine at codon 495 is replaced by leucine, an amino acid with highly similar properties. This amino acid position is well conserved in available vertebrate species. In addition, the in silico prediction for this alteration is inconclusive. Based on the available evidence, the clinical significance of this variant remains unclear.

Labcorp Genetics (formerly Invitae), Labcorp
Classification: Uncertain significance for Retinoblastoma. Last evaluated: 2022-08-16. Review status: criteria provided, single submitter. Criteria: Invitae Variant Classification Sherloc (09022015). Collection method: clinical testing. Allele origin: germline.
Comment: In summary, the available evidence is currently insufficient to determine the role of this variant in disease. Therefore, it has been classified as a Variant of Uncertain Significance. Algorithms developed to predict the effect of missense changes on protein structure and function (SIFT, PolyPhen-2, Align-GVGD) all suggest that this variant is likely to be tolerated. This variant has not been reported in the literature in individuals affected with RB1-related conditions. This variant is present in population databases (rs746901651, gnomAD 0.0009%). This sequence change replaces methionine, which is neutral and non-polar, with leucine, which is neutral and non-polar, at codon 495 of the RB1 protein (p.Met495Leu).

NM_000321.3(RB1):c.1483A>T (p.Met495Leu)

Gene: RB1 (RB transcriptional corepressor 1; plus strand). Cytogenetic location: 13q14.2.
Variant type: single nucleotide variant.
Coding change: c.1483A>T on transcript NM_000321.3 (MANE Select); coding-DNA position 1483, A replaced by T.
Protein change: p.Met495Leu; replaces methionine 495 with leucine.
Molecular consequence: missense variant.
Genome position (GRCh38, 1-based): chr13:48,380,226, A>T. VCF-style: chr13-48380226-A-T. GRCh37 (hg19) VCF-style: chr13-48954362-A-T.
Other names: c.1483A>T, p.Met495Leu (NM_001407165.1, NM_001407166.1); short protein forms M495L.
Identifiers: ClinVar variation 1898360 (VCV001898360.6), dbSNP rs746901651, ClinGen allele CA028904.